The following is an entry in ClinVar:

NM_018669.6(WDR4):c.441G>A (p.Met147Ile)

Gene: WDR4 (WDR4 tRNA N7-guanosine methyltransferase non-catalytic subunit; minus strand). Cytogenetic location: 21q22.3.
Variant type: single nucleotide variant.
Coding change: c.441G>A on transcript NM_018669.6 (MANE Select); coding-DNA position 441, G replaced by A.
Protein change: p.Met147Ile; replaces methionine 147 with isoleucine.
Molecular consequence: missense variant. On other transcripts: initiator codon variant (3), non-coding transcript variant (1).
Genome position (GRCh38, 1-based): chr21:42,863,452, C>T on the plus strand (G>A on the coding strand, the complement: WDR4 is on the minus strand). VCF-style: chr21-42863452-C-T. GRCh37 (hg19) VCF-style: chr21-44283562-C-T.
Other names: c.441G>A, p.Met147Ile (NM_001260474.2, NM_033661.5); c.3G>A, p.Met1Ile (NM_001260475.2, NM_001260476.2, NM_001260477.2); short protein forms M147I, M1I.
Identifiers: ClinVar variation 1343724 (VCV001343724.6), dbSNP rs910873595, ClinGen allele CA410393640.

ClinVar aggregate classification (germline): Uncertain significance. Review status: criteria provided, multiple submitters, no conflicts (2 of 4 stars). 2 submissions from 2 submitters: Uncertain significance (2). Last evaluated 2024-02-17.

Allele frequency attached by ClinVar (database versions not stated): gnomAD exomes below 0.00001; gnomAD 0.00001.

Submissions (2):

Labcorp Genetics (formerly Invitae), Labcorp
Classification: Uncertain significance. Last evaluated: 2024-02-17. Review status: criteria provided, single submitter. Criteria: Invitae Variant Classification Sherloc (09022015). Collection method: clinical testing. Allele origin: germline.
Comment: This sequence change replaces methionine, which is neutral and non-polar, with isoleucine, which is neutral and non-polar, at codon 147 of the WDR4 protein (p.Met147Ile). The frequency data for this variant in the population databases is considered unreliable, as metrics indicate poor data quality at this position in the gnomAD database. This variant has not been reported in the literature in individuals affected with WDR4-related conditions. ClinVar contains an entry for this variant (Variation ID: 1343724). Advanced modeling of protein sequence and biophysical properties (such as structural, functional, and spatial information, amino acid conservation, physicochemical variation, residue mobility, and thermodynamic stability) performed at Invitae indicates that this missense variant is not expected to disrupt WDR4 protein function with a negative predictive value of 80%. In summary, the available evidence is currently insufficient to determine the role of this variant in disease. Therefore, it has been classified as a Variant of Uncertain Significance.

Women's Health and Genetics/Laboratory Corporation of America, LabCorp
Classification: Uncertain significance. Last evaluated: 2022-02-25. Review status: criteria provided, single submitter. Criteria: LabCorp Variant Classification Summary - May 2015. Collection method: clinical testing. Allele origin: germline.
Comment: Variant summary: WDR4 c.441G>A (p.Met147Ile) results in a conservative amino acid change in the encoded protein sequence. Three of five in-silico tools predict a damaging effect of the variant on protein function. The variant allele was found at a frequency of 8e-06 in 250508 control chromosomes. The available data on variant occurrences in the general population are insufficient to allow any conclusion about variant significance. To our knowledge, no occurrence of c.441G>A in individuals affected with WDR4-Related Disorders and no experimental evidence demonstrating its impact on protein function have been reported. No clinical diagnostic laboratories have submitted clinical-significance assessments for this variant to ClinVar after 2014. Based on the evidence outlined above, the variant was classified as uncertain significance.